The following is an entry in ClinVar:

ClinVar aggregate classification (germline): Uncertain significance (1 of 4 stars; one submission).

Conditions:
Tumor predisposition syndrome 3 (TPDS3). Also called: Melanoma, cutaneous malignant, susceptibility to, 10; Glioma susceptibility 9; LONG TELOMERE SYNDROME, POT1-RELATED; POT1 Tumor Predisposition. Identifiers: Orphanet 618, MedGen C4014476, MONDO:0014368, OMIM 615848.

Submission:

St. Jude Molecular Pathology, St. Jude Children's Research Hospital
Classification: Uncertain significance for Tumor predisposition syndrome 3. Last evaluated: 2021-09-09. Review status: criteria provided, single submitter. Criteria: St. Jude Assertion Criteria 2020. Collection method: clinical testing. Allele origin: germline.
Comment: The POT1 c.-154+5928_9+618dup variant is a gross duplication of the genomic region encompassing exons 4-5 of the POT1 gene. The 5’ end of this event is likely confined to intron 5 of the POT1 gene and the 3’ end of this event is likely confined to intron 3 of the POT1 gene. A duplication of this region is present in gnomAD v2.1.1 with a maximum subpopulation frequency of 0.13%. To our knowledge, duplications encompassing exons 4 and 5 of POT1 have not been reported in individuals with POT1-associated conditions. In summary, this variant meets criteria to be classified as of uncertain significance.

NM_015450.2:c.-154+5928_9+618dup

Gene: POT1 (protection of telomeres 1; minus strand).
Variant type: Duplication.
Identifiers: ClinVar variation 1320285 (VCV001320285.3).